The following is an entry in ClinVar:

NM_000718.4(CACNA1B):c.967-11C>G

Gene: CACNA1B (calcium voltage-gated channel subunit alpha1 B; plus strand). Cytogenetic location: 9q34.3.
Variant type: single nucleotide variant.
Coding change: c.967-11C>G on transcript NM_000718.4 (MANE Select); 11 bases into the intron before coding-DNA position 967, C replaced by G.
Molecular consequence: intron variant.
Genome position (GRCh38, 1-based): chr9:137,952,263, C>G. VCF-style: chr9-137952263-C-G. GRCh37 (hg19) VCF-style: chr9-140846715-C-G.
Other names: c.967-11C>G (NM_001243812.2).
Identifiers: ClinVar variation 1317145 (VCV001317145.40), dbSNP rs12115468, ClinGen allele CA5376008.

ClinVar aggregate classification (germline): Benign/Likely benign. Review status: criteria provided, multiple submitters, no conflicts (2 of 4 stars). 4 submissions from 4 submitters: Benign (2); Likely benign (2). Last evaluated 2026-09-01.

Allele frequency attached by ClinVar (database versions not stated): gnomAD 0.00949 and 0.00954; ESP Exome Variant Server 0.00967; TOPMed 0.00974; gnomAD exomes 0.00981 and 0.01176; ExAC 0.00984; 1000 Genomes Project 0.01018; 1000 Genomes Project 30x 0.01046.
gnomAD v4.1: 18,562 of 1,611,598 alleles (1.2%); highest among the groups gnomAD compares: South Asian, 1.3%; 147 homozygotes.

Submissions (9):

CeGaT Center for Human Genetics Tuebingen
Classification: Benign. Last evaluated: 2026-09-01. Review status: criteria provided, single submitter. Criteria: CeGaT Center For Human Genetics Tuebingen Variant Classification Criteria Version 2. Collection method: clinical testing. Allele origin: germline. Affected: yes. Observed: 45 variant alleles.
Comment: CACNA1B: BS1, BS2

Labcorp Genetics (formerly Invitae), Labcorp
Classification: Benign. Last evaluated: 2026-02-03. Review status: criteria provided, single submitter. Criteria: Invitae Variant Classification Sherloc (09022015). Collection method: clinical testing. Allele origin: germline.

GeneDx
Classification: Likely benign. Last evaluated: 2021-04-05. Review status: criteria provided, single submitter. Criteria: GeneDx Variant Classification Process June 2021. Collection method: clinical testing. Allele origin: germline. Affected: yes.

Breakthrough Genomics
Classification: Likely benign. Review status: criteria provided, single submitter. Criteria: ACMG Guidelines, 2015. Collection method: not provided. Allele origin: germline. Inheritance: Autosomal recessive inheritance. Affected: yes.

Dr. Peter K. Rogan Lab, Western University
No classification provided (evidence only). Condition: Lung cancer. Review status: no classification provided. Collection method: in vitro. Allele origin: not applicable. Functional consequence: retained intron. Not counted in ClinVar's aggregate classification.

Dr. Peter K. Rogan Lab, Western University
No classification provided (evidence only). Condition: Lung cancer. Review status: no classification provided. Collection method: in vitro. Allele origin: not applicable. Functional consequence: retained intron. Not counted in ClinVar's aggregate classification.

Dr. Peter K. Rogan Lab, Western University
No classification provided (evidence only). Condition: Familial cancer of breast. Review status: no classification provided. Collection method: in vitro. Allele origin: not applicable. Functional consequence: retained intron. Not counted in ClinVar's aggregate classification.

Dr. Peter K. Rogan Lab, Western University
No classification provided (evidence only). Condition: Malignant tumor of esophagus. Review status: no classification provided. Collection method: in vitro. Allele origin: not applicable. Functional consequence: retained intron. Not counted in ClinVar's aggregate classification.

Dr. Peter K. Rogan Lab, Western University
No classification provided (evidence only). Condition: Familial pancreatic carcinoma. Review status: no classification provided. Collection method: in vitro. Allele origin: not applicable. Functional consequence: retained intron. Not counted in ClinVar's aggregate classification.